The following is an entry in ClinVar:

NC_000023.10:g.(?_107819120)_(107840818_?)dup

Gene: COL4A5 (collagen type IV alpha 5 chain; plus strand). Cytogenetic location: Xq22.3.
Variant type: Duplication.
Identifiers: ClinVar variation 3246299 (VCV003246299.1).

ClinVar aggregate classification (germline): Uncertain significance (1 of 4 stars; one submission).

Submission:

Labcorp Genetics (formerly Invitae), Labcorp
Classification: Uncertain significance. Last evaluated: 2023-05-16. Review status: criteria provided, single submitter. Criteria: Invitae Variant Classification Sherloc (09022015). Collection method: clinical testing. Allele origin: unknown.
Comment: In summary, the available evidence is currently insufficient to determine the role of this variant in disease. Therefore, it has been classified as a Variant of Uncertain Significance. Experimental studies and prediction algorithms are not available or were not evaluated, and the functional significance of this variant is currently unknown. A similar copy number variant has been observed in individuals with COL4A5-related conditions (Invitae). This variant results in a copy number gain of the genomic region encompassing exon(s) 10-24 of the COL4A5 gene. While the exact position of this variant cannot be determined from the data, sub-genic copy number gains are generally in tandem (PMID: 25640679). This variant is predicted to be in-frame, and likely preserves the integrity of the reading frame.

Literature cited by the submitters: PubMed 25640679.